The following is an entry in ClinVar:

NM_001244008.2(KIF1A):c.4606G>A (p.Glu1536Lys)

Gene: KIF1A (kinesin family member 1A; minus strand). Cytogenetic location: 2q37.3.
Variant type: single nucleotide variant.
Coding change: c.4606G>A on transcript NM_001244008.2 (MANE Select); coding-DNA position 4606, G replaced by A.
Protein change: p.Glu1536Lys; replaces glutamic acid 1536 with lysine.
Molecular consequence: missense variant.
Genome position (GRCh38, 1-based): chr2:240,722,515, C>T on the plus strand (G>A on the coding strand, the complement: KIF1A is on the minus strand). VCF-style: chr2-240722515-C-T. GRCh37 (hg19) VCF-style: chr2-241661932-C-T.
Other names: c.4330G>A, p.Glu1444Lys (NM_001320705.2, NM_001379649.1); c.4357G>A, p.Glu1453Lys (NM_001330289.2); c.4405G>A, p.Glu1469Lys (NM_001330290.2, NM_001379648.1); c.4681G>A, p.Glu1561Lys (NM_001379631.1); c.4582G>A, p.Glu1528Lys (NM_001379632.1); c.4579G>A, p.Glu1527Lys (NM_001379633.1, NM_001379645.1); c.4432G>A, p.Glu1478Lys (NM_001379634.1); c.4429G>A, p.Glu1477Lys (NM_001379635.1, NM_001379646.1); and 7 more; short protein forms E1435K, E1528K, E1561K, E1434K, E1469K, E1478K, E1444K, E1453K.
Identifiers: ClinVar variation 2154111 (VCV002154111.4), dbSNP rs2536699253, ClinGen allele CA351303831.

ClinVar aggregate classification (germline): Uncertain significance (1 of 4 stars; one submission).

Conditions:
Neuropathy, hereditary sensory, type 2C. Also called: Hereditary sensory and autonomic neuropathy type IIC; KIF1A-Related HSAN2 (HSAN2C). Identifiers: Orphanet 970, MedGen C3280168, MONDO:0013634, OMIM 614213.
Intellectual disability, autosomal dominant 9 (NESCAVS). Also called: NESCAV SYNDROME; KIF1A-Related Neurodevelopmental Disorder. Identifiers: Orphanet 662367, MedGen C5393830, MONDO:0013656, OMIM 614255.
Hereditary spastic paraplegia 30. Identifiers: Orphanet 101010, MedGen C5235139, MONDO:0012476.

Submission:

Labcorp Genetics (formerly Invitae), Labcorp
Classification: Uncertain significance for Hereditary spastic paraplegia 30; Neuropathy, hereditary sensory, type 2C; Intellectual disability, autosomal dominant 9. Last evaluated: 2025-04-27. Review status: criteria provided, single submitter. Criteria: Invitae Variant Classification Sherloc (09022015). Collection method: clinical testing. Allele origin: germline.
Comment: This sequence change replaces glutamic acid, which is acidic and polar, with lysine, which is basic and polar, at codon 1435 of the KIF1A protein (p.Glu1435Lys). This variant is not present in population databases (gnomAD no frequency). This variant has not been reported in the literature in individuals affected with KIF1A-related conditions. ClinVar contains an entry for this variant (Variation ID: 2154111). Invitae Evidence Modeling of protein sequence and biophysical properties (such as structural, functional, and spatial information, amino acid conservation, physicochemical variation, residue mobility, and thermodynamic stability) indicates that this missense variant is not expected to disrupt KIF1A protein function with a negative predictive value of 95%. In summary, the available evidence is currently insufficient to determine the role of this variant in disease. Therefore, it has been classified as a Variant of Uncertain Significance.